The following is an entry in ClinVar:

NM_002602.4(PDE6G):c.227T>C (p.Leu76Pro)

Gene: PDE6G (phosphodiesterase 6G; minus strand). Cytogenetic location: 17q25.3.
Variant type: single nucleotide variant.
Coding change: c.227T>C on transcript NM_002602.4 (MANE Select); coding-DNA position 227, T replaced by C.
Protein change: p.Leu76Pro; replaces leucine 76 with proline.
Molecular consequence: missense variant. On other transcripts: non-coding transcript variant (2).
Genome position (GRCh38, 1-based): chr17:81,651,111, A>G on the plus strand (T>C on the coding strand, the complement: PDE6G is on the minus strand). VCF-style: chr17-81651111-A-G. GRCh37 (hg19) VCF-style: chr17-79618141-A-G.
Other names: c.227T>C, p.Leu76Pro (NM_001365724.1, NM_001365725.1); c.227T>C (NM_002602.3); short protein forms L76P.
Identifiers: ClinVar variation 2066646 (VCV002066646.4), dbSNP rs1424408274, ClinGen allele CA401473899.

ClinVar aggregate classification (germline): Uncertain significance. Review status: criteria provided, multiple submitters, no conflicts (2 of 4 stars). 3 submissions from 3 submitters: Uncertain significance (3). Last evaluated 2024-11-01.

Allele frequency attached by ClinVar (database versions not stated): gnomAD 0.00001; TOPMed 0.00001; gnomAD exomes 0.00002.

Submissions (3):

Blueprint Genetics
Classification: Uncertain significance. Last evaluated: 2024-11-01. Review status: criteria provided, single submitter. Criteria: ACMG Guidelines, 2015. Collection method: clinical testing. Allele origin: germline.

Ambry Genetics
Classification: Uncertain significance. Last evaluated: 2023-06-22. Review status: criteria provided, single submitter. Criteria: Ambry Variant Classification Scheme 2023. Collection method: clinical testing. Allele origin: germline.

Labcorp Genetics (formerly Invitae), Labcorp
Classification: Uncertain significance. Last evaluated: 2022-02-11. Review status: criteria provided, single submitter. Criteria: Invitae Variant Classification Sherloc (09022015). Collection method: clinical testing. Allele origin: germline.
Comment: This sequence change replaces leucine, which is neutral and non-polar, with proline, which is neutral and non-polar, at codon 76 of the PDE6G protein (p.Leu76Pro). This variant is present in population databases (no rsID available, gnomAD 0.002%). This variant has not been reported in the literature in individuals affected with PDE6G-related conditions. Algorithms developed to predict the effect of missense changes on protein structure and function (SIFT, PolyPhen-2, Align-GVGD) all suggest that this variant is likely to be disruptive. In summary, the available evidence is currently insufficient to determine the role of this variant in disease. Therefore, it has been classified as a Variant of Uncertain Significance.